The following continues an entry in ClinVar:

NM_000133.4(F9):c.835G>A (p.Ala279Thr)

Gene: F9. ClinVar aggregate classification (germline): Pathogenic. Pathogenic (1).

Submissions 9 to 14 of 14:

ARUP Laboratories, Molecular Genetics and Genomics, ARUP Laboratories
Classification: Pathogenic. Last evaluated: 2021-10-21. Review status: criteria provided, single submitter. Criteria: ARUP Molecular Germline Variant Investigation Process 2021. Collection method: clinical testing. Allele origin: germline. Not counted in ClinVar's aggregate classification.
Comment: The F9 c.835G>A; p.Ala279Thr variant (rs137852247), also known as p.Ala233Thr, is reported in the literature in numerous individuals affected with hemophilia B and is primarily associated with mild disease (Chavali 2009, Chen 1991, Hamasaki-Katagiri 2012, Kihlberg 2017, Factor IX database and references therein). This is a recurrent missense variant observed in many affected individuals due both to a founder effect and to its location in a CpG dinucleotide, which are prone to G-to-A or C-to-T transitions (Chen 1991, Lassalle 2018). Clotting activity assays indicate the p.Ala279Thr variant exhibits approximately 10-15% of wildtype activity, consistent with mild hemophilia (Chavali 2009, Chen 1991, Kihlberg 2017, Factor IX database). This variant is reported in ClinVar (Variation ID: 216926) and is absent from general population databases (Exome Variant Server, Genome Aggregation Database), indicating it is not a common polymorphism. The alanine at codon 279 is highly conserved and occurs in the catalytic serine protease domain, and computational analyses predict that this variant is deleterious (REVEL: 0.765). Additionally, another variant at this codon (c.835G>T, p.Ala279Ser) has reported in individuals with hemophilia B (Rydz 2013), suggesting this amino acid is functionally important. Based on available information, the p.Ala279Thr variant is considered to be pathogenic. References: Factor IX database: Chavali S et al. Hemophilia B is a quasi-quantitative condition with certain mutations showing phenotypic plasticity. Genomics. 2009 Dec;94(6):433-7. Chen SH et al. CG dinucleotide transitions in the factor IX gene account for about half of the point mutations in hemophilia B patients: a Seattle series. Hum Genet. 1991 Jun;87(2):177-82. Hamasaki-Katagiri N et al. Analysis of F9 point mutations and their correlation to severity of haemophilia B disease. Haemophilia. 2012 Nov;18(6):933-40. Kihlberg K et al. Discrepancies between the one-stage clotting assay and the chromogenic assay in haemophilia B. Haemophilia. 2017 Jul;23(4):620-627. Lassalle F et al. Recurrent F8 and F9 gene variants result from a founder effect in two large French haemophilia cohorts. Haemophilia. 2018 Apr 14. Rydz N et al. The Canadian "National Program for hemophilia mutation testing" database: a ten-year review. Am J Hematol. 2013 Dec;88(12):1030-4.

Genetics and Molecular Pathology, SA Pathology
Classification: Likely pathogenic for Hereditary factor IX deficiency disease. Last evaluated: 2020-11-25. Review status: criteria provided, single submitter. Criteria: ACMG Guidelines, 2015. Collection method: clinical testing. Allele origin: germline. Inheritance: X-linked recessive inheritance. Affected: yes. Not counted in ClinVar's aggregate classification.
Comment: PS4, PP3, PP2, PP5, PP4.

NIHR Bioresource Rare Diseases, University of Cambridge
Classification: Pathogenic for Hereditary factor VIII deficiency disease. Last evaluated: 2019-02-01. Review status: criteria provided, single submitter. Criteria: ACMG Guidelines, 2015. Collection method: research. Allele origin: unknown. Affected: yes. Observed: 1 hemizygote. Study: ThromboGenomics. Not counted in ClinVar's aggregate classification.

NIHR Bioresource Rare Diseases, University of Cambridge
Classification: Likely pathogenic for Abnormality of coagulation. Last evaluated: 2019-02-01. Review status: criteria provided, single submitter. Criteria: ACMG Guidelines, 2015. Collection method: research. Allele origin: unknown. Affected: yes. Observed: 1 heterozygote. Study: ThromboGenomics. Not counted in ClinVar's aggregate classification.

UCLA Clinical Genomics Center, UCLA
Classification: Pathogenic for Hereditary factor IX deficiency disease. Last evaluated: 2014-07-15. Review status: criteria provided, single submitter. Criteria: Lee et al. (JAMA. 2014). Collection method: clinical testing. Allele origin: germline. Inheritance: X-linked inheritance. Affected: yes. Study: CES. Not counted in ClinVar's aggregate classification.

ISTH-SSC Genomics in Thrombosis and Hemostasis, KU Leuven, Center for Molecular and Vascular Biology
Classification: Pathogenic for Hereditary factor IX deficiency disease. Review status: criteria provided, single submitter. Criteria: ACMG Guidelines, 2015. Collection method: clinical testing. Allele origin: unknown. Affected: yes. Observed: 3 hemizygotes. Not counted in ClinVar's aggregate classification.
Comment: GoldVariant submitter: Dr Karyn Mégy NIHR Bioresource - Cambridge University, UK

Literature cited by the submitters: PubMed 2066105 (cited by Labcorp Genetics (formerly Invitae), Labcorp); PubMed 23093250 (cited by Labcorp Genetics (formerly Invitae), Labcorp and Natera, Inc.); PubMed 27529981 (cited by Labcorp Genetics (formerly Invitae), Labcorp); PubMed 27865967 (cited by Labcorp Genetics (formerly Invitae), Labcorp); PubMed 29656491 (cited by Labcorp Genetics (formerly Invitae), Labcorp); PubMed 34355501 (cited by Labcorp Genetics (formerly Invitae), Labcorp and ISTH-SSC Genomics in Thrombosis and Hemostasis, KU Leuven, Center for Molecular and Vascular Biology); PubMed 34708896 (cited by Labcorp Genetics (formerly Invitae), Labcorp); PubMed 1972560 (cited by Natera, Inc. and Women's Health and Genetics/Laboratory Corporation of America, LabCorp); PubMed 24219067 (cited by Natera, Inc. and Women's Health and Genetics/Laboratory Corporation of America, LabCorp); PubMed 12709378 (cited by Natera, Inc.); PubMed 10094553 (cited by Natera, Inc.); PubMed 15921378 (cited by Natera, Inc.); PubMed 8091381 (cited by Women's Health and Genetics/Laboratory Corporation of America, LabCorp); PubMed 31064749 (cited by NIHR Bioresource Rare Diseases, University of Cambridge).